The following is an entry in ClinVar:

NM_001081550.2(THOC2):c.278T>C (p.Ile93Thr)

Gene: THOC2 (THO complex subunit 2; minus strand). Cytogenetic location: Xq25.
Variant type: single nucleotide variant.
Coding change: c.278T>C on transcript NM_001081550.2 (MANE Select); coding-DNA position 278, T replaced by C.
Protein change: p.Ile93Thr; replaces isoleucine 93 with threonine.
Molecular consequence: missense variant.
Genome position (GRCh38, 1-based): chrX:123,697,748, A>G on the plus strand (T>C on the coding strand, the complement: THOC2 is on the minus strand). VCF-style: chrX-123697748-A-G. GRCh37 (hg19) VCF-style: chrX-122831598-A-G.
Other names: short protein forms I93T.
Identifiers: ClinVar variation 100824 (VCV000100824.2), dbSNP rs483352705, ClinGen allele CA229071.
Genomic context (GRCh38, chrX:123,697,748, plus strand): 5'-GCTAATACCAACTGTGTAAAATAGTCTCTCTTGCTTTTTTCTTCTAAACAATTTGTCTCA[A>G]TGTCTATAATGATGAAGAAGAAAAAAGTTTGATTGATTTGTCTAGACTCCCCAGCACTAA-3'
Protein context (NP_001075019.1, residues 83-103): ILADVFCILD[Ile93Thr]ETNCLEEKSK

ClinVar aggregate classification (germline): Uncertain significance. Review status: no assertion criteria provided (0 of 4 stars). 2 submissions from 1 submitter: Uncertain significance (1). 1 of the submissions does not count toward it.

Submissions (2):

Richard Lifton Laboratory, Yale University School of Medicine
Classification: Uncertain significance. Review status: no assertion criteria provided. Collection method: not provided. Allele origin: somatic.
Comment: THOC2:p.I93T
ClinVar note: Converted during submission from unknown to Uncertain significance.

Richard Lifton Laboratory, Yale University School of Medicine
Classification: Uncertain significance. Review status: flagged submission. Collection method: not provided. Allele origin: somatic. Not counted in ClinVar's aggregate classification.
ClinVar note: Converted during submission from unknown to Uncertain significance.
ClinVar note: Reason: This record appears to be redundant with a more recent record from the same submitter.
ClinVar note: Notes: SCV000120044 appears to be redundant with SCV000155147.